The following is an entry in ClinVar:

NM_139058.3(ARX):c.1477del (p.Ser493fs)

Gene: ARX (aristaless related homeobox; minus strand). Cytogenetic location: Xp21.3.
Variant type: Deletion.
Coding change: c.1477del on transcript NM_139058.3 (MANE Select); coding-DNA position 1477, one base deleted (A; older notation c.1477delA).
Protein change: p.Ser493fs; shifts the reading frame from serine 493.
Molecular consequence: frameshift variant.
Genome position (GRCh38, 1-based): chrX:25,004,882, T deleted on the plus strand (A on the coding strand, the reverse complement: ARX is on the minus strand). VCF-style (leftmost placement, unchanged base first): chrX-25004881-CT-C. GRCh37 (hg19) VCF-style: chrX-25022998-CT-C.
Other names: short protein forms S493fs.
Identifiers: ClinVar variation 4856184 (VCV004856184.1).

ClinVar aggregate classification (germline): Likely pathogenic (1 of 4 stars; one submission).

Conditions:
ARX-related disorder. Also called: ARX-Related Disorders; ARX-related condition. Identifiers: MedGen CN378769.

Submission:

3billion
Classification: Likely pathogenic for ARX-related disorder. Last evaluated: 2025-08-27. Review status: criteria provided, single submitter. Criteria: ACMG Guidelines, 2015. Collection method: clinical testing. Allele origin: germline. Affected: yes.
Comment: The variant is not observed in the gnomAD v4.1.0 dataset. Predicted Consequence/Location: Frameshift: predicted to result in a loss or disruption of normal protein function through protein truncation. The predicted truncated protein may be shortened by more than 10%. Therefore, this variant is classified as Likely pathogenic according to the recommendation of ACMG/AMP guideline.